The following is an entry in ClinVar:

ClinVar aggregate classification (germline): Uncertain significance (1 of 4 stars; one submission).

Conditions:
Immunodeficiency, common variable, 10. Also called: DEFICIT IN ANTERIOR PITUITARY FUNCTION AND VARIABLE IMMUNODEFICIENCY; IMMUNODEFICIENCY, COMMON VARIABLE, WITH CENTRAL ADRENAL INSUFFICIENCY. Identifiers: MedGen C3809991, MONDO:0014260, OMIM 615577.

Submission:

Labcorp Genetics (formerly Invitae), Labcorp
Classification: Uncertain significance for Immunodeficiency, common variable, 10. Last evaluated: 2023-08-04. Review status: criteria provided, single submitter. Criteria: Invitae Variant Classification Sherloc (09022015). Collection method: clinical testing. Allele origin: germline.
Comment: In summary, the available evidence is currently insufficient to determine the role of this variant in disease. Therefore, it has been classified as a Variant of Uncertain Significance. An algorithm developed to predict the effect of missense changes on protein structure and function (PolyPhen-2) suggests that this variant is likely to be tolerated. This variant has not been reported in the literature in individuals affected with NFKB2-related conditions. This variant is not present in population databases (gnomAD no frequency). This sequence change replaces alanine, which is neutral and non-polar, with proline, which is neutral and non-polar, at codon 409 of the NFKB2 protein (p.Ala409Pro).

NM_001322934.2(NFKB2):c.1225G>C (p.Ala409Pro)

Genes: NFKB2 (nuclear factor kappa B subunit 2; plus strand), LOC130004599 (ATAC-STARR-seq lymphoblastoid silent region 2756; plus strand). Cytogenetic location: 10q24.32.
Variant type: single nucleotide variant.
Coding change: c.1225G>C on transcript NM_001322934.2 (MANE Select); coding-DNA position 1225, G replaced by C.
Protein change: p.Ala409Pro; replaces alanine 409 with proline.
Molecular consequence: missense variant.
Genome position (GRCh38, 1-based): chr10:102,399,395, G>C. VCF-style: chr10-102399395-G-C. GRCh37 (hg19) VCF-style: chr10-104159152-G-C.
Other names: c.1225G>C, p.Ala409Pro (NM_001077493.1, NM_001077494.3, NM_001261403.3 and 2 more transcripts); c.1099G>C, p.Ala367Pro (NM_001322935.1); short protein forms A409P, A367P.
Identifiers: ClinVar variation 2749970 (VCV002749970.3), dbSNP rs1428255171, ClinGen allele CA377899011.